The following is an entry in ClinVar:

NM_000553.6(WRN):c.3527C>G (p.Ala1176Gly)

Gene: WRN (WRN RecQ like helicase; plus strand). Cytogenetic location: 8p12.
Variant type: single nucleotide variant.
Coding change: c.3527C>G on transcript NM_000553.6 (MANE Select); coding-DNA position 3527, C replaced by G.
Protein change: p.Ala1176Gly; replaces alanine 1176 with glycine.
Molecular consequence: missense variant.
Genome position (GRCh38, 1-based): chr8:31,147,431, C>G. VCF-style: chr8-31147431-C-G. GRCh37 (hg19) VCF-style: chr8-31004947-C-G.
Other names: short protein forms A1176G.
Identifiers: ClinVar variation 2833068 (VCV002833068.3), dbSNP rs2536043241, ClinGen allele CA370925905.

ClinVar aggregate classification (germline): Uncertain significance (1 of 4 stars; one submission).

Conditions:
Werner syndrome (WRN). Identifiers: Orphanet 902, MedGen C0043119, MONDO:0010196, OMIM 277700.

Submission:

Labcorp Genetics (formerly Invitae), Labcorp
Classification: Uncertain significance for Werner syndrome. Last evaluated: 2023-01-31. Review status: criteria provided, single submitter. Criteria: Invitae Variant Classification Sherloc (09022015). Collection method: clinical testing. Allele origin: germline.
Comment: This variant is not present in population databases (gnomAD no frequency). This sequence change replaces alanine, which is neutral and non-polar, with glycine, which is neutral and non-polar, at codon 1176 of the WRN protein (p.Ala1176Gly). This variant has not been reported in the literature in individuals affected with WRN-related conditions. In summary, the available evidence is currently insufficient to determine the role of this variant in disease. Therefore, it has been classified as a Variant of Uncertain Significance. Algorithms developed to predict the effect of sequence changes on RNA splicing suggest that this variant may create or strengthen a splice site. An algorithm developed to predict the effect of missense changes on protein structure and function (PolyPhen-2) suggests that this variant is likely to be disruptive.